The following is an entry in ClinVar:

NM_000342.4(SLC4A1):c.16-14G>A

Gene: SLC4A1 (solute carrier family 4 member 1 (Diego blood group); minus strand). Cytogenetic location: 17q21.31.
Variant type: single nucleotide variant.
Coding change: c.16-14G>A on transcript NM_000342.4 (MANE Select); 14 bases into the intron before coding-DNA position 16, G replaced by A.
Molecular consequence: intron variant.
Genome position (GRCh38, 1-based): chr17:44,262,740, C>T on the plus strand (G>A on the coding strand, the complement: SLC4A1 is on the minus strand). VCF-style: chr17-44262740-C-T. GRCh37 (hg19) VCF-style: chr17-42340108-C-T.
Identifiers: ClinVar variation 255906 (VCV000255906.53), dbSNP rs145502796, ClinGen allele CA8600752.
Genomic context (GRCh38, chr17:44,262,740, plus strand): 5'-TATTCCTCCTGCTCCAGATTCTCCTCCATCATGTCTTCATAATCATCCTGTGGGAAGTGG[C>T]CGCTGAGGCTGGGCTGTGAGGGGCTCTTCCACCCCCAACGAAGATAGGAGTCTAGGACCA-3'

ClinVar aggregate classification (germline): Benign/Likely benign. Review status: criteria provided, multiple submitters, no conflicts (2 of 4 stars). 10 submissions from 8 submitters: Benign (7); Likely benign (3). Last evaluated 2026-02-01.

Conditions:
Hereditary spherocytosis type 4. Also called: SLC4A1-Related Spherocytosis. Identifiers: Orphanet 822, MedGen C2675212, MONDO:0012981, OMIM 612653.
Autosomal dominant distal renal tubular acidosis (DRTA1). Also called: RTA, CLASSIC TYPE; RTA, DISTAL TYPE, AUTOSOMAL DOMINANT; RTA, GRADIENT TYPE; Renal Tubular Acidosis, Type I; RENAL TUBULAR ACIDOSIS, DISTAL, 1. Identifiers: Orphanet 93608, MedGen CN280572, MONDO:0008368, OMIM 179800.
Hemolytic anemia. Identifiers: MedGen C0002878, MONDO:0003664, HP:0001878.

Allele frequency attached by ClinVar (database versions not stated): 1000 Genomes Project 30x 0.00828; 1000 Genomes Project 0.00879; TOPMed 0.01268; gnomAD 0.01351 and 0.01362; gnomAD exomes 0.01357 and 0.01925; ExAC 0.01395; ESP Exome Variant Server 0.01545.
gnomAD v4.1: 30,037 of 1,613,072 alleles (1.9%); highest among the groups gnomAD compares: Non-Finnish European, 2.2%; 322 homozygotes.

Submissions (10):

CeGaT Center for Human Genetics Tuebingen
Classification: Benign. Last evaluated: 2026-02-01. Review status: criteria provided, single submitter. Criteria: CeGaT Center For Human Genetics Tuebingen Variant Classification Criteria Version 2. Collection method: clinical testing. Allele origin: germline. Affected: yes. Observed: 15 variant alleles.
Comment: SLC4A1: BS1, BS2

Labcorp Genetics (formerly Invitae), Labcorp
Classification: Benign. Last evaluated: 2026-01-27. Review status: criteria provided, single submitter. Criteria: Invitae Variant Classification Sherloc (09022015). Collection method: clinical testing. Allele origin: germline.

ARUP Laboratories, Molecular Genetics and Genomics, ARUP Laboratories
Classification: Benign. Last evaluated: 2025-07-28. Review status: criteria provided, single submitter. Criteria: ARUP Molecular Germline Variant Investigation Process 2024. Collection method: clinical testing. Allele origin: germline.

Blueprint Genetics
Classification: Likely benign. Last evaluated: 2024-11-26. Review status: criteria provided, single submitter. Criteria: ACMG Guidelines, 2015. Collection method: clinical testing. Allele origin: germline.

GeneDx
Classification: Likely benign. Last evaluated: 2020-05-04. Review status: criteria provided, single submitter. Criteria: GeneDx Variant Classification Process June 2021. Collection method: clinical testing. Allele origin: germline. Affected: yes.
Comment: This variant is associated with the following publications: (PMID: 27884173, 23255290)

Illumina Laboratory Services, Illumina
Classification: Benign for Hereditary spherocytosis type 4. Last evaluated: 2018-01-12. Review status: criteria provided, single submitter. Criteria: ICSL Variant Classification Criteria 13 December 2019. Collection method: clinical testing. Allele origin: germline.
Comment: This variant was observed in the ICSL laboratory as part of a predisposition screen in an ostensibly healthy population. It had not been previously curated by ICSL or reported in the Human Gene Mutation Database (HGMD: prior to June 1st, 2018), and was therefore a candidate for classification through an automated scoring system. Utilizing variant allele frequency, disease prevalence and penetrance estimates, and inheritance mode, an automated score was calculated to assess if this variant is too frequent to cause the disease. Based on the score and internal cut-off values, a variant classified as benign is not then subjected to further curation. The score for this variant resulted in a classification of benign for this disease.

Illumina Laboratory Services, Illumina
Classification: Benign for Autosomal dominant distal renal tubular acidosis. Last evaluated: 2018-01-12. Review status: criteria provided, single submitter. Criteria: ICSL Variant Classification Criteria 13 December 2019. Collection method: clinical testing. Allele origin: germline.
Comment: the same text as in the submission from Illumina Laboratory Services, Illumina above.

Illumina Laboratory Services, Illumina
Classification: Benign for Hemolytic anemia. Last evaluated: 2018-01-12. Review status: criteria provided, single submitter. Criteria: ICSL Variant Classification Criteria 13 December 2019. Collection method: clinical testing. Allele origin: germline.
Comment: the same text as in the submission from Illumina Laboratory Services, Illumina above.

Breakthrough Genomics
Classification: Likely benign. Review status: criteria provided, single submitter. Criteria: ACMG Guidelines, 2015. Collection method: not provided. Allele origin: germline. Inheritance: Autosomal recessive inheritance. Affected: yes.

PreventionGenetics, part of Exact Sciences
Classification: Benign. Review status: criteria provided, single submitter. Criteria: ACMG Guidelines, 2015. Collection method: clinical testing. Allele origin: germline.